The following is an entry in ClinVar:

NM_144997.7(FLCN):c.151G>A (p.Gly51Ser)

Gene: FLCN (folliculin; minus strand). Cytogenetic location: 17p11.2.
Variant type: single nucleotide variant.
Coding change: c.151G>A on transcript NM_144997.7 (MANE Select); coding-DNA position 151, G replaced by A.
Protein change: p.Gly51Ser; replaces glycine 51 with serine.
Molecular consequence: missense variant.
Genome position (GRCh38, 1-based): chr17:17,227,987, C>T on the plus strand (G>A on the coding strand, the complement: FLCN is on the minus strand). VCF-style: chr17-17227987-C-T. GRCh37 (hg19) VCF-style: chr17-17131301-C-T.
Other names: c.151G>A, p.Gly51Ser (NM_001353229.2, NM_001353230.2, NM_001353231.2 and 1 more transcripts); short protein forms G51S.
Identifiers: ClinVar variation 844090 (VCV000844090.7), dbSNP rs2047308123, ClinGen allele CA398535218.

ClinVar aggregate classification (germline): Uncertain significance (1 of 4 stars; one submission).

Conditions:
Birt-Hogg-Dube syndrome. Also called: Birt Hogg Dubé syndrome. Identifiers: Orphanet 122, MedGen C0346010, MONDO:0800444.

Submission:

Labcorp Genetics (formerly Invitae), Labcorp
Classification: Uncertain significance for Birt-Hogg-Dube syndrome. Last evaluated: 2024-10-29. Review status: criteria provided, single submitter. Criteria: Invitae Variant Classification Sherloc (09022015). Collection method: clinical testing. Allele origin: germline.
Comment: This sequence change replaces glycine, which is neutral and non-polar, with serine, which is neutral and polar, at codon 51 of the FLCN protein (p.Gly51Ser). This variant is not present in population databases (gnomAD no frequency). This variant has not been reported in the literature in individuals affected with FLCN-related conditions. ClinVar contains an entry for this variant (Variation ID: 844090). An algorithm developed to predict the effect of missense changes on protein structure and function (PolyPhen-2) suggests that this variant is likely to be tolerated. In summary, the available evidence is currently insufficient to determine the role of this variant in disease. Therefore, it has been classified as a Variant of Uncertain Significance.